The following is an entry in ClinVar:

ClinVar aggregate classification (germline): Conflicting classifications of pathogenicity. Review status: criteria provided, conflicting classifications (1 of 4 stars). 3 submissions from 3 submitters: Pathogenic (1); Uncertain significance (1). 1 of the submissions does not count toward it. Last evaluated 2022-03-29.

Conditions:
Developmental and epileptic encephalopathy, 7 (DEE7). Also called: KCNQ2-Related Neonatal Epileptic Encephalopathy; KCNQ2-Related Neonatal-Onset Developmental and Epileptic Encephalopathy (NEO-DEE); Early infantile epileptic encephalopathy 7. Identifiers: Orphanet 439218, MedGen C3150986, MONDO:0013387, OMIM 613720.
Seizures, benign familial neonatal, 1. Also called: Benign Neonatal Epilepsy 1; KCNQ2-Related Benign Familial Neonatal Epilepsy; KCNQ2-Related Self-Limited Familial Neonatal Epilepsy (SLFNE); Seizures, benign neonatal, 1. Identifiers: Orphanet 1949, MedGen C3149074, MONDO:0007365, OMIM 121200.

Submissions (3):

MGZ Medical Genetics Center
Classification: Pathogenic for Seizures, benign familial neonatal, 1. Last evaluated: 2022-03-29. Review status: criteria provided, single submitter. Criteria: ACMG Guidelines, 2015. Collection method: clinical testing. Allele origin: germline. Affected: yes. Observed: 1 variant allele.
Comment: ACMG criteria applied: PVS1, PM2_SUP, PP1

MVZ Martinsried, Medicover Genetics
Classification: Uncertain significance for Developmental and epileptic encephalopathy, 7. Last evaluated: 2022-02-13. Review status: criteria provided, single submitter. Criteria: ACGS Guidelines, 2020. Collection method: clinical testing. Allele origin: inherited. Affected: yes.

GeneReviews
No classification provided. Condition: Seizures, benign familial neonatal, 1. Review status: no classification provided. Collection method: literature only. Allele origin: germline. Affected: yes. Not counted in ClinVar's aggregate classification.
Comment: BFNE (benign familial neonatal epilepsy)

Literature cited by the submitters: PubMed 17129708 (cited by GeneReviews); NCBI Bookshelf NBK32534 (cited by GeneReviews).

NM_172107.4(KCNQ2):c.1302-1G>C

Gene: KCNQ2 (potassium voltage-gated channel subfamily Q member 2; minus strand). Cytogenetic location: 20q13.33.
Variant type: single nucleotide variant.
Coding change: c.1302-1G>C on transcript NM_172107.4 (MANE Select); the canonical splice acceptor site of the intron before coding-DNA position 1302, G replaced by C.
Molecular consequence: splice acceptor variant. On other transcripts: intron variant (1).
Genome position (GRCh38, 1-based): chr20:63,415,127, C>G on the plus strand (G>C on the coding strand, the complement: KCNQ2 is on the minus strand). VCF-style: chr20-63415127-C-G. GRCh37 (hg19) VCF-style: chr20-62046480-C-G.
Other names: c.1218-1G>C (NM_004518.6); c.1248-37G>C (NM_172108.5); c.1248-1G>C (NM_172106.3, NM_001382235.1); c.1302-1G>C (NM_172107.3).
Identifiers: ClinVar variation 21812 (VCV000021812.6), dbSNP rs118192225, ClinGen allele CA342545.